The following is an entry in ClinVar:

NM_144997.7(FLCN):c.740A>C (p.Asp247Ala)

Gene: FLCN (folliculin; minus strand). Cytogenetic location: 17p11.2.
Variant type: single nucleotide variant.
Coding change: c.740A>C on transcript NM_144997.7 (MANE Select); coding-DNA position 740, A replaced by C.
Protein change: p.Asp247Ala; replaces aspartic acid 247 with alanine.
Molecular consequence: missense variant.
Genome position (GRCh38, 1-based): chr17:17,222,540, T>G on the plus strand (A>C on the coding strand, the complement: FLCN is on the minus strand). VCF-style: chr17-17222540-T-G. GRCh37 (hg19) VCF-style: chr17-17125854-T-G.
Other names: c.794A>C, p.Asp265Ala (NM_001353229.2); c.740A>C, p.Asp247Ala (NM_001353230.2, NM_001353231.2, NM_144606.7); short protein forms D247A, D265A.
Identifiers: ClinVar variation 5021862 (VCV005021862.1).
Genomic context (GRCh38, chr17:17,222,540, plus strand): 5'-AAAAGCAGAGACGCCCGTTACCAGGCAAAGGAGGTGTGCAGGCACGCCCACAGGTTGTCA[T>G]CACTTGTCAGCGATGTCAGCGAGCGGGCGGCGTTGCCGTTCCTCTGGTGTAGGAATGGCG-3'
Protein context (NP_659434.2, residues 237-257): AARSLTSLTS[Asp247Ala]DNLWACLHTS

ClinVar aggregate classification (germline): Uncertain significance (1 of 4 stars; one submission).

Conditions:
Hereditary cancer-predisposing syndrome. Also called: Neoplastic Syndromes, Hereditary; Tumor predisposition; Hereditary neoplastic syndrome; Hereditary Cancer Syndrome. Identifiers: Orphanet 140162, MedGen C0027672, MeSH D009386, MONDO:0015356.

Submission:

Ambry Genetics
Classification: Uncertain significance for Hereditary cancer-predisposing syndrome. Last evaluated: 2026-07-31. Review status: criteria provided, single submitter. Criteria: Ambry Variant Classification Scheme 2023. Collection method: clinical testing. Allele origin: germline.
Comment: The p.D247A variant (also known as c.740A>C), located in coding exon 4 of the FLCN gene, results from an A to C substitution at nucleotide position 740. The aspartic acid at codon 247 is replaced by alanine, an amino acid with dissimilar properties. This amino acid position is conserved. In addition, the in silico prediction for this alteration is inconclusive. Based on the available evidence, the clinical significance of this variant remains unclear.